The following is an entry in ClinVar:

NM_000052.7(ATP7A):c.2329C>A (p.Pro777Thr)

Gene: ATP7A (ATPase copper transporting alpha; plus strand). Cytogenetic location: Xq21.1.
Variant type: single nucleotide variant.
Coding change: c.2329C>A on transcript NM_000052.7 (MANE Select); coding-DNA position 2329, C replaced by A.
Protein change: p.Pro777Thr; replaces proline 777 with threonine.
Molecular consequence: missense variant. On other transcripts: intron variant (1).
Genome position (GRCh38, 1-based): chrX:78,013,035, C>A. VCF-style: chrX-78013035-C-A. GRCh37 (hg19) VCF-style: chrX-77268532-C-A.
Other names: c.2172+1361C>A (NM_001282224.2); short protein forms P777T.
Identifiers: ClinVar variation 246555 (VCV000246555.2), dbSNP rs879254312, ClinGen allele CA10584647.

ClinVar aggregate classification (germline): Uncertain significance (1 of 4 stars; one submission).

Submission:

GeneDx
Classification: Uncertain significance. Last evaluated: 2017-07-06. Review status: criteria provided, single submitter. Criteria: GeneDx Variant Classification (06012015). Collection method: clinical testing. Allele origin: germline. Affected: yes.
Comment: The P777T variant in the ATP7A gene has not been reported previously as a pathogenic variant, noras a benign variant, to our knowledge. The P777T variant was not observed in approximately 6500individuals of European and African American ancestry in the NHLBI Exome Sequencing Project,indicating it is not a common benign variant in these populations. The P777T variant is anon-conservative amino acid substitution, which is likely to impact secondary protein structure asthese residues differ in polarity, charge, size and/or other properties. This substitution occurs at aposition that is conserved across species. In silico analysis predicts this variant is probably damaging tothe protein structure/function. We interpret P777T as a variant of uncertain significance